The following is an entry in ClinVar:

ClinVar aggregate classification (germline): Pathogenic (1 of 4 stars; one submission).

Conditions:
Gastrointestinal stromal tumor. Also called: Gastrointestinal stroma tumor; Gastrointestinal stromal tumor, somatic. Identifiers: Orphanet 44890, MedGen C0238198, MeSH D046152, MONDO:0011719, OMIM 606764, HP:0100723.
Pheochromocytoma/paraganglioma syndrome 4. Also called: CAROTID BODY TUMORS AND MULTIPLE EXTRAADRENAL PHEOCHROMOCYTOMAS; SDHB-Related Hereditary Paraganglioma-Pheochromocytoma Syndrome; PARAGANGLIOMA, FAMILIAL MALIGNANT; PARAGANGLIOMAS, HEREDITARY EXTRAADRENAL; PHEOCHROMOCYTOMA, FAMILIAL EXTRAADRENAL; Paragangliomas 4. Identifiers: Orphanet 29072, MedGen C1861848, MONDO:0007273, OMIM 115310.
Pheochromocytoma. Also called: MAX-Related Hereditary Paraganglioma-Pheochromocytoma Syndrome. Identifiers: Orphanet 29072, MedGen C0031511, MONDO:0008233, OMIM 171300, HP:0002666.

Submission:

Labcorp Genetics (formerly Invitae), Labcorp
Classification: Pathogenic for Gastrointestinal stromal tumor; Pheochromocytoma/paraganglioma syndrome 4; Pheochromocytoma. Last evaluated: 2022-02-05. Review status: criteria provided, single submitter. Criteria: Invitae Variant Classification Sherloc (09022015). Collection method: clinical testing. Allele origin: germline.
Comment: For these reasons, this variant has been classified as Pathogenic. This variant has not been reported in the literature in individuals affected with SDHB-related conditions. This variant is not present in population databases (gnomAD no frequency). This sequence change creates a premature translational stop signal (p.Ser8Phefs*55) in the SDHB gene. It is expected to result in an absent or disrupted protein product. Loss-of-function variants in SDHB are known to be pathogenic (PMID: 19454582, 19802898).

Literature cited by the submitters: PubMed 19454582; PubMed 19802898.

NM_003000.3(SDHB):c.22dup (p.Ser8fs)

Gene: SDHB (succinate dehydrogenase complex iron sulfur subunit B; minus strand). Cytogenetic location: 1p36.13.
Variant type: Duplication.
Coding change: c.22dup on transcript NM_003000.3 (MANE Select); coding-DNA position 22, one base duplicated (T; older notation c.22dupT).
Protein change: p.Ser8fs; shifts the reading frame from serine 8.
Molecular consequence: frameshift variant.
Genome position (GRCh38, 1-based): chr1:17,053,998, A duplicated on the plus strand (T on the coding strand, the reverse complement: SDHB is on the minus strand). VCF-style (leftmost placement, unchanged base first): chr1-17053997-G-GA. GRCh37 (hg19) VCF-style: chr1-17380492-G-GA.
Other names: short protein forms S8fs.
Identifiers: ClinVar variation 1456703 (VCV001456703.6), dbSNP rs2101551846, ClinGen allele CA2573130770.